The following is an entry in ClinVar:

ClinVar aggregate classification (germline): Uncertain significance (1 of 4 stars; one submission).

Conditions:
Cardiovascular phenotype. Identifiers: MedGen CN230736.

Allele frequency attached by ClinVar (database versions not stated): TOPMed below 0.00001.

Submission:

Ambry Genetics
Classification: Uncertain significance for Cardiovascular phenotype. Last evaluated: 2023-03-24. Review status: criteria provided, single submitter. Criteria: Ambry Variant Classification Scheme 2023. Collection method: clinical testing. Allele origin: germline.
Comment: The p.P1028R variant (also known as c.3083C>G), located in coding exon 8 of the HCN4 gene, results from a C to G substitution at nucleotide position 3083. The proline at codon 1028 is replaced by arginine, an amino acid with dissimilar properties. This amino acid position is well conserved in available vertebrate species. In addition, the in silico prediction for this alteration is inconclusive. Since supporting evidence is limited at this time, the clinical significance of this alteration remains unclear.

NM_005477.3(HCN4):c.3083C>G (p.Pro1028Arg)

Gene: HCN4 (hyperpolarization activated cyclic nucleotide gated potassium channel 4; minus strand). Cytogenetic location: 15q24.1.
Variant type: single nucleotide variant.
Coding change: c.3083C>G on transcript NM_005477.3 (MANE Select); coding-DNA position 3083, C replaced by G.
Protein change: p.Pro1028Arg; replaces proline 1028 with arginine.
Molecular consequence: missense variant.
Genome position (GRCh38, 1-based): chr15:73,323,010, G>C on the plus strand (C>G on the coding strand, the complement: HCN4 is on the minus strand). VCF-style: chr15-73323010-G-C. GRCh37 (hg19) VCF-style: chr15-73615351-G-C.
Other names: short protein forms P1028R.
Identifiers: ClinVar variation 2565005 (VCV002565005.2), dbSNP rs2042871862, ClinGen allele CA393086252.